The following is an entry in ClinVar:

NM_000363.5(TNNI3):c.614A>C (p.Lys205Thr)

Gene: TNNI3 (troponin I3, cardiac type; minus strand). Cytogenetic location: 19q13.42.
Variant type: single nucleotide variant.
Coding change: c.614A>C on transcript NM_000363.5 (MANE Select); coding-DNA position 614, A replaced by C.
Protein change: p.Lys205Thr; replaces lysine 205 with threonine.
Molecular consequence: missense variant.
Genome position (GRCh38, 1-based): chr19:55,151,853, T>G on the plus strand (A>C on the coding strand, the complement: TNNI3 is on the minus strand). VCF-style: chr19-55151853-T-G. GRCh37 (hg19) VCF-style: chr19-55663221-T-G.
Other names: c.614A>C (LRG_432t1); short protein forms K205T.
Identifiers: ClinVar variation 520294 (VCV000520294.6), dbSNP rs1555862962, ClinGen allele CA407439454.

ClinVar aggregate classification (germline): Uncertain significance. Review status: criteria provided, multiple submitters, no conflicts (2 of 4 stars). 2 submissions from 2 submitters: Uncertain significance (2). Last evaluated 2023-03-06.

Conditions:
Cardiovascular phenotype. Identifiers: MedGen CN230736.

Submissions (2):

GeneDx
Classification: Uncertain significance. Last evaluated: 2023-03-06. Review status: criteria provided, single submitter. Criteria: GeneDx Variant Classification Process June 2021. Collection method: clinical testing. Allele origin: germline. Affected: yes.
Comment: Has not been previously published as pathogenic or benign to our knowledge; Not observed at significant frequency in large population cohorts (gnomAD); In silico analysis supports that this missense variant has a deleterious effect on protein structure/function

Ambry Genetics
Classification: Uncertain significance for Cardiovascular phenotype. Last evaluated: 2022-08-11. Review status: criteria provided, single submitter. Criteria: Ambry Variant Classification Scheme 2023. Collection method: clinical testing. Allele origin: germline.
Comment: The p.K205T variant (also known as c.614A>C), located in coding exon 8 of the TNNI3 gene, results from an A to C substitution at nucleotide position 614. The lysine at codon 205 is replaced by threonine, an amino acid with similar properties. This amino acid position is highly conserved in available vertebrate species. In addition, this alteration is predicted to be deleterious by in silico analysis. Since supporting evidence is limited at this time, the clinical significance of this alteration remains unclear.